The following is an entry in ClinVar:

ClinVar aggregate classification (germline): Likely pathogenic (1 of 4 stars; one submission).

Submission:

Labcorp Genetics (formerly Invitae), Labcorp
Classification: Likely pathogenic. Last evaluated: 2024-01-15. Review status: criteria provided, single submitter. Criteria: Invitae Variant Classification Sherloc (09022015). Collection method: clinical testing. Allele origin: germline.
Comment: This sequence change replaces glycine, which is neutral and non-polar, with alanine, which is neutral and non-polar, at codon 238 of the SCN3A protein (p.Gly238Ala). This variant is not present in population databases (gnomAD no frequency). This missense change has been observed in individual(s) with developmental and epileptic encephalopathy (Invitae). In at least one individual the variant was observed to be de novo. Advanced modeling of protein sequence and biophysical properties (such as structural, functional, and spatial information, amino acid conservation, physicochemical variation, residue mobility, and thermodynamic stability) has been performed at Invitae for this missense variant, however the output from this modeling did not meet the statistical confidence thresholds required to predict the impact of this variant on SCN3A protein function. In summary, the currently available evidence indicates that the variant is pathogenic, but additional data are needed to prove that conclusively. Therefore, this variant has been classified as Likely Pathogenic.

NM_006922.4(SCN3A):c.713G>C (p.Gly238Ala)

Gene: SCN3A (sodium voltage-gated channel alpha subunit 3; minus strand). Cytogenetic location: 2q24.3.
Variant type: single nucleotide variant.
Coding change: c.713G>C on transcript NM_006922.4 (MANE Select); coding-DNA position 713, G replaced by C.
Protein change: p.Gly238Ala; replaces glycine 238 with alanine.
Molecular consequence: missense variant.
Genome position (GRCh38, 1-based): chr2:165,162,810, C>G on the plus strand (G>C on the coding strand, the complement: SCN3A is on the minus strand). VCF-style: chr2-165162810-C-G. GRCh37 (hg19) VCF-style: chr2-166019320-C-G.
Other names: c.713G>C, p.Gly238Ala (NM_001081676.2, NM_001081677.2); short protein forms G238A.
Identifiers: ClinVar variation 2849299 (VCV002849299.3), dbSNP rs2468478679, ClinGen allele CA349239412.
Genomic context (GRCh38, chr2:165,162,810, plus strand): 5'-AGACAGAACACAGTCAGGATCATCACATCAGAAAGCTTCTTTACCGACTGGATCAGGGCC[C>G]CCACAATGGTCTTTAAACCTGCAGAGAGAGAACTATAGGTTACCTGAGGAAGAGTGCCAG-3'
Protein context (NP_008853.3, residues 228-248): SVIPGLKTIV[Gly238Ala]ALIQSVKKLS